The following is an entry in ClinVar:

ClinVar aggregate classification (germline): Likely benign. Review status: criteria provided, single submitter (1 of 4 stars). 2 submissions from 2 submitters: Likely benign (1). 1 of the submissions does not count toward it. Last evaluated 2025-09-29.

Conditions:
IFT56-related disorder. Also called: IFT56-related condition.

Allele frequency attached by ClinVar (database versions not stated): ESP Exome Variant Server 0.00162; gnomAD 0.00119; gnomAD exomes 0.00168; 1000 Genomes Project 30x 0.00078; ExAC 0.00136; 1000 Genomes Project 0.00080; TOPMed 0.00136.
gnomAD v4.1: 2,576 of 1,583,786 alleles (0.16%); highest among the groups gnomAD compares: Non-Finnish European, 0.2%; 3 homozygotes.

Submissions (2):

Labcorp Genetics (formerly Invitae), Labcorp
Classification: Likely benign. Last evaluated: 2025-09-29. Review status: criteria provided, single submitter. Criteria: Invitae Variant Classification Sherloc (09022015). Collection method: clinical testing. Allele origin: germline.

PreventionGenetics, part of Exact Sciences
Classification: Likely benign for IFT56-related condition. Last evaluated: 2024-04-16. Review status: no assertion criteria provided. Collection method: clinical testing. Allele origin: germline. Not counted in ClinVar's aggregate classification.
Comment: This variant is classified as likely benign based on ACMG/AMP sequence variant interpretation guidelines (Richards et al. 2015 PMID: 25741868, with internal and published modifications).

NM_024926.4(IFT56):c.928G>A (p.Asp310Asn)

Gene: IFT56 (intraflagellar transport 56; plus strand). Cytogenetic location: 7q34.
Variant type: single nucleotide variant.
Coding change: c.928G>A on transcript NM_024926.4 (MANE Select); coding-DNA position 928, G replaced by A.
Protein change: p.Asp310Asn; replaces aspartic acid 310 with asparagine.
Molecular consequence: missense variant.
Genome position (GRCh38, 1-based): chr7:139,166,872, G>A. VCF-style: chr7-139166872-G-A. GRCh37 (hg19) VCF-style: chr7-138851618-G-A.
Other names: c.610G>A, p.Asp204Asn (NM_001321741.2); c.928G>A, p.Asp310Asn (NM_001144920.3, NM_001321740.2); c.835G>A, p.Asp279Asn (NM_001144923.3); c.535G>A, p.Asp179Asn (NM_001287512.2); c.613G>A, p.Asp205Asn (NM_001287513.2); c.508G>A, p.Asp170Asn (NM_001318333.2); c.928G>A (NM_024926.3); short protein forms D170N, D205N, D310N, D204N, D279N, D179N.
Identifiers: ClinVar variation 2038770 (VCV002038770.5), dbSNP rs13225917, ClinGen allele CA4508280.